The following is an entry in ClinVar:

ClinVar aggregate classification (germline): Uncertain significance (1 of 4 stars; one submission).

Submission:

CeGaT Center for Human Genetics Tuebingen
Classification: Uncertain significance. Last evaluated: 2024-01-01. Review status: criteria provided, single submitter. Criteria: CeGaT Center For Human Genetics Tuebingen Variant Classification Criteria Version 2. Collection method: clinical testing. Allele origin: germline. Affected: yes. Observed: 1 variant allele.
Comment: HERC1: PM2

NM_003922.4(HERC1):c.8999C>T (p.Pro3000Leu)

Gene: HERC1 (HECT and RLD domain containing E3 ubiquitin protein ligase family member 1; minus strand). Cytogenetic location: 15q22.31.
Variant type: single nucleotide variant.
Coding change: c.8999C>T on transcript NM_003922.4 (MANE Select); coding-DNA position 8999, C replaced by T.
Protein change: p.Pro3000Leu; replaces proline 3000 with leucine.
Molecular consequence: missense variant.
Genome position (GRCh38, 1-based): chr15:63,661,924, G>A on the plus strand (C>T on the coding strand, the complement: HERC1 is on the minus strand). VCF-style: chr15-63661924-G-A. GRCh37 (hg19) VCF-style: chr15-63954123-G-A.
Other names: short protein forms P3000L.
Identifiers: ClinVar variation 3027116 (VCV003027116.22), dbSNP rs776978144, ClinGen allele CA392761855.